The following is an entry in ClinVar:

NM_000016.6(ACADM):c.581A>G (p.Asn194Ser)

Gene: ACADM (acyl-CoA dehydrogenase medium chain; plus strand). Cytogenetic location: 1p31.1.
Variant type: single nucleotide variant.
Coding change: c.581A>G on transcript NM_000016.6 (MANE Select); coding-DNA position 581, A replaced by G.
Protein change: p.Asn194Ser; replaces asparagine 194 with serine.
Molecular consequence: missense variant.
Genome position (GRCh38, 1-based): chr1:75,740,092, A>G. VCF-style: chr1-75740092-A-G. GRCh37 (hg19) VCF-style: chr1-76205777-A-G.
Other names: c.593A>G, p.Asn198Ser (NM_001127328.3); c.473A>G, p.Asn158Ser (NM_001286042.2); c.680A>G, p.Asn227Ser (NM_001286043.2); c.14A>G, p.Asn5Ser (NM_001286044.2); short protein forms N198S, N158S, N227S, N194S, N5S.
Identifiers: ClinVar variation 934938 (VCV000934938.7), dbSNP rs1010454733, ClinGen allele CA24627682.
Genomic context (GRCh38, chr1:75,740,092, plus strand): 5'-CCAAAGCAGAAAAGAAAGGAGATGAGTATATTATTAATGGTCAGAAGATGTGGATAACCA[A>G]CGGAGGAAAAGCTAATTGGTATGTTGTTCAAAACATCTTTGTATATTTTTTCTTAATTGT-3'
Protein context (NP_000007.1, residues 184-204): IINGQKMWIT[Asn194Ser]GGKANWYFLL

ClinVar aggregate classification (germline): Uncertain significance. Review status: criteria provided, single submitter (1 of 4 stars). 2 submissions from 2 submitters: Uncertain significance (1). 1 of the submissions does not count toward it. Last evaluated 2021-09-01.

Conditions:
Medium-chain acyl-coenzyme A dehydrogenase deficiency (ACADMD). Also called: Medium chain acyl-CoA dehydrogenase deficiency; MCADD; MCADH DEFICIENCY; ACADM DEFICIENCY; CARNITINE DEFICIENCY SECONDARY TO MEDIUM-CHAIN ACYL-CoA DEHYDROGENASE DEFICIENCY; MCAD Deficiency. Identifiers: Orphanet 42, MedGen C0220710, MONDO:0008721, OMIM 201450.

Allele frequency attached by ClinVar (database versions not stated): gnomAD 0.00001; gnomAD exomes 0.00001; TOPMed 0.00001.
gnomAD v4.1: 3 of 1,612,032 alleles (0.00019%); highest among the groups gnomAD compares: Admixed American, 0.0017%; no homozygotes.

Submissions (2):

Labcorp Genetics (formerly Invitae), Labcorp
Classification: Uncertain significance for Medium-chain acyl-coenzyme A dehydrogenase deficiency. Last evaluated: 2021-09-01. Review status: criteria provided, single submitter. Criteria: Invitae Variant Classification Sherloc (09022015). Collection method: clinical testing. Allele origin: germline.
Comment: This sequence change replaces asparagine with serine at codon 194 of the ACADM protein (p.Asn194Ser). The asparagine residue is highly conserved and there is a small physicochemical difference between asparagine and serine. This variant is not present in population databases (ExAC no frequency). This variant has not been reported in the literature in individuals affected with ACADM-related conditions. Algorithms developed to predict the effect of missense changes on protein structure and function are either unavailable or do not agree on the potential impact of this missense change (SIFT: "Tolerated"; PolyPhen-2: "Possibly Damaging"; Align-GVGD: "Class C0"). This variant disrupts the p.Asn194 amino acid residue in ACADM. Other variant(s) that disrupt this residue have been determined to be pathogenic (PMID: 18241067, 20434380, 23700290, 27751224). This suggests that this residue is clinically significant, and that variants that disrupt this residue are likely to be disease-causing. In summary, the available evidence is currently insufficient to determine the role of this variant in disease. Therefore, it has been classified as a Variant of Uncertain Significance.

Natera, Inc.
Classification: Uncertain significance for Medium Chain Acyl-CoA Dehydrogenase Deficiency. Last evaluated: 2020-07-01. Review status: no assertion criteria provided. Collection method: clinical testing. Allele origin: germline. Not counted in ClinVar's aggregate classification.

Literature cited by the submitters: PubMed 18241067 (cited by Labcorp Genetics (formerly Invitae), Labcorp); PubMed 20434380 (cited by Labcorp Genetics (formerly Invitae), Labcorp); PubMed 23700290 (cited by Labcorp Genetics (formerly Invitae), Labcorp); PubMed 27751224 (cited by Labcorp Genetics (formerly Invitae), Labcorp).